The following is an entry in ClinVar:

ClinVar aggregate classification (germline): Uncertain significance. Review status: criteria provided, multiple submitters, no conflicts (2 of 4 stars). 4 submissions from 4 submitters: Uncertain significance (4). Last evaluated 2025-11-17.

Conditions:
Oligodontia-cancer predisposition syndrome. Also called: TOOTH AGENESIS-COLORECTAL CANCER SYNDROME. Identifiers: Orphanet 300576, MedGen C1837750, MONDO:0012075, OMIM 608615. Disease mechanism: loss of function.
Hereditary cancer-predisposing syndrome. Also called: Neoplastic Syndromes, Hereditary; Tumor predisposition; Hereditary Cancer Syndrome; Hereditary neoplastic syndrome. Identifiers: Orphanet 140162, MedGen C0027672, MeSH D009386, MONDO:0015356.
Colorectal cancer. Also called: Malignant Colorectal Neoplasm; Colorectal cancer, somatic. Identifiers: MedGen C0346629, MONDO:0005575, OMIM 114500.

Allele frequency attached by ClinVar (database versions not stated): gnomAD exomes below 0.00001 and 0.00001; ExAC 0.00001; gnomAD 0.00002; TOPMed 0.00002; ESP Exome Variant Server 0.00008.

Submissions (4):

Ambry Genetics
Classification: Uncertain significance for Hereditary cancer-predisposing syndrome. Last evaluated: 2025-11-17. Review status: criteria provided, single submitter. Criteria: Ambry Variant Classification Scheme 2023. Collection method: clinical testing. Allele origin: germline.
Comment: The p.G286D variant (also known as c.857G>A), located in coding exon 2 of the AXIN2 gene, results from a G to A substitution at nucleotide position 857. The glycine at codon 286 is replaced by aspartic acid, an amino acid with similar properties. This amino acid position is not well conserved in available vertebrate species. In addition, this alteration is predicted to be tolerated by in silico analysis. Since supporting evidence is limited at this time, the clinical significance of this alteration remains unclear.

Labcorp Genetics (formerly Invitae), Labcorp
Classification: Uncertain significance for Oligodontia-cancer predisposition syndrome. Last evaluated: 2025-11-17. Review status: criteria provided, single submitter. Criteria: Invitae Variant Classification Sherloc (09022015). Collection method: clinical testing. Allele origin: germline.
Comment: This sequence change replaces glycine, which is neutral and non-polar, with aspartic acid, which is acidic and polar, at codon 286 of the AXIN2 protein (p.Gly286Asp). The frequency data for this variant in the population databases is considered unreliable, as metrics indicate poor data quality at this position in the gnomAD database. This variant has not been reported in the literature in individuals affected with AXIN2-related conditions. ClinVar contains an entry for this variant (Variation ID: 464643). Invitae Evidence Modeling of protein sequence and biophysical properties (such as structural, functional, and spatial information, amino acid conservation, physicochemical variation, residue mobility, and thermodynamic stability) indicates that this missense variant is not expected to disrupt AXIN2 protein function with a negative predictive value of 80%. In summary, the available evidence is currently insufficient to determine the role of this variant in disease. Therefore, it has been classified as a Variant of Uncertain Significance.

GeneDx
Classification: Uncertain significance. Last evaluated: 2024-03-03. Review status: criteria provided, single submitter. Criteria: GeneDx Variant Classification Process June 2021. Collection method: clinical testing. Allele origin: germline. Affected: yes.
Comment: Not observed at a significant frequency in large population cohorts (gnomAD); In silico analysis supports that this missense variant does not alter protein structure/function; Has not been previously published as pathogenic or benign to our knowledge

Baylor Genetics
Classification: Uncertain significance for Colorectal cancer. Last evaluated: 2024-02-02. Review status: criteria provided, single submitter. Criteria: ACMG Guidelines, 2015. Collection method: clinical testing. Allele origin: unknown.

NM_004655.4(AXIN2):c.857G>A (p.Gly286Asp)

Gene: AXIN2 (axin 2; minus strand). Cytogenetic location: 17q24.1.
Variant type: single nucleotide variant.
Coding change: c.857G>A on transcript NM_004655.4 (MANE Select); coding-DNA position 857, G replaced by A.
Protein change: p.Gly286Asp; replaces glycine 286 with aspartic acid.
Molecular consequence: missense variant.
Genome position (GRCh38, 1-based): chr17:65,549,619, C>T on the plus strand (G>A on the coding strand, the complement: AXIN2 is on the minus strand). VCF-style: chr17-65549619-C-T. GRCh37 (hg19) VCF-style: chr17-63545737-C-T.
Other names: c.857G>A, p.Gly286Asp (NM_001363813.1); c.857G>A (LRG_296t1); short protein forms G286D.
Identifiers: ClinVar variation 464643 (VCV000464643.18), dbSNP rs371327205, ClinGen allele CA8718958.